The following is an entry in ClinVar:

ClinVar aggregate classification (germline): Uncertain significance. Review status: criteria provided, multiple submitters, no conflicts (2 of 4 stars). 2 submissions from 2 submitters: Uncertain significance (2). Last evaluated 2025-05-18.

Submissions (2):

Labcorp Genetics (formerly Invitae), Labcorp
Classification: Uncertain significance. Last evaluated: 2025-05-18. Review status: criteria provided, single submitter. Criteria: Invitae Variant Classification Sherloc (09022015). Collection method: clinical testing. Allele origin: germline.
Comment: This variant, c.4123_4140del, results in the deletion of 6 amino acid(s) of the PIEZO1 protein (p.Gln1375_Pro1380del), but otherwise preserves the integrity of the reading frame. This variant is present in population databases (rs547417701, gnomAD 0.05%). This variant has not been reported in the literature in individuals affected with PIEZO1-related conditions. ClinVar contains an entry for this variant (Variation ID: 2720280). Experimental studies and prediction algorithms are not available or were not evaluated, and the functional significance of this variant is currently unknown. In summary, the available evidence is currently insufficient to determine the role of this variant in disease. Therefore, it has been classified as a Variant of Uncertain Significance.

Revvity Omics, Revvity
Classification: Uncertain significance. Last evaluated: 2024-06-21. Review status: criteria provided, single submitter. Criteria: ACMG Guidelines, 2015. Collection method: clinical testing. Allele origin: germline.

NM_001142864.4(PIEZO1):c.4123_4140del (p.Gln1375_Pro1380del)

Gene: PIEZO1 (piezo type mechanosensitive ion channel component 1 (Er blood group); minus strand). Cytogenetic location: 16q24.3.
Variant type: Deletion.
Coding change: c.4123_4140del on transcript NM_001142864.4 (MANE Select); coding-DNA positions 4123 to 4140, 18 bases deleted (CAGGACACCCTGGGCCCC).
Protein change: p.Gln1375_Pro1380del.
Molecular consequence: inframe deletion. On other transcripts: inframe indel (1).
Genome position (GRCh38, 1-based): chr16:88,725,438-88,725,455, GGGGCCCAGGGTGTCCTG deleted on the plus strand (CAGGACACCCTGGGCCCC on the coding strand, the reverse complement: PIEZO1 is on the minus strand); deleting any 18 consecutive bases within chr16:88,725,438-88,725,460 gives the same sequence; the c. name uses the placement nearest the transcript's 3' end. VCF-style (leftmost placement, unchanged base first): chr16-88725437-TGGGGCCCAGGGTGTCCTG-T. GRCh37 (hg19) VCF-style: chr16-88791845-TGGGGCCCAGGGTGTCCTG-T.
Other names: c.2660_2677del18, p.Gln889_Pro894del (NM_014745.1).
Identifiers: ClinVar variation 2720280 (VCV002720280.4), dbSNP rs547417701, ClinGen allele CA8232251.